The following is an entry in ClinVar:

ClinVar aggregate classification (germline): Uncertain significance. Review status: criteria provided, multiple submitters, no conflicts (2 of 4 stars). 2 submissions from 2 submitters: Uncertain significance (2). Last evaluated 2025-11-21.

Conditions:
Cardiovascular phenotype. Identifiers: MedGen CN230736.
Long QT syndrome (LQTS). Identifiers: MedGen C0023976, MeSH D008133, MONDO:0002442. Disease mechanism: loss of function. Inheritance: Various modes of inheritance.

Allele frequency attached by ClinVar (database versions not stated): gnomAD exomes below 0.00001 and 0.00001; gnomAD 0.00001; TOPMed 0.00001.
gnomAD v4.1: 6 of 1,613,180 alleles (0.00037%); highest among the groups gnomAD compares: Admixed American, 0.0017%; no homozygotes.

Submissions (2):

Labcorp Genetics (formerly Invitae), Labcorp
Classification: Uncertain significance for Long QT syndrome. Last evaluated: 2025-11-21. Review status: criteria provided, single submitter. Criteria: Invitae Variant Classification Sherloc (09022015). Collection method: clinical testing. Allele origin: germline.
Comment: This sequence change replaces threonine, which is neutral and polar, with methionine, which is neutral and non-polar, at codon 96 of the CACNA1C protein (p.Thr96Met). This variant is present in population databases (no rsID available, gnomAD 0.003%). This variant has not been reported in the literature in individuals affected with CACNA1C-related conditions. ClinVar contains an entry for this variant (Variation ID: 843660). Invitae Evidence Modeling of protein sequence and biophysical properties (such as structural, functional, and spatial information, amino acid conservation, physicochemical variation, residue mobility, and thermodynamic stability) indicates that this missense variant is not expected to disrupt CACNA1C protein function with a negative predictive value of 80%. In summary, the available evidence is currently insufficient to determine the role of this variant in disease. Therefore, it has been classified as a Variant of Uncertain Significance.

Ambry Genetics
Classification: Uncertain significance for Cardiovascular phenotype. Last evaluated: 2025-01-03. Review status: criteria provided, single submitter. Criteria: Ambry Variant Classification Scheme 2023. Collection method: clinical testing. Allele origin: germline.
Comment: The p.T96M variant (also known as c.287C>T), located in coding exon 2 of the CACNA1C gene, results from a C to T substitution at nucleotide position 287. The threonine at codon 96 is replaced by methionine, an amino acid with similar properties. This amino acid position is not well conserved in available vertebrate species. In addition, this alteration is predicted to be tolerated by in silico analysis. Based on the available evidence, the clinical significance of this variant remains unclear.

NM_000719.7(CACNA1C):c.287C>T (p.Thr96Met)

Gene: CACNA1C (calcium voltage-gated channel subunit alpha1 C; plus strand). Cytogenetic location: 12p13.33.
Variant type: single nucleotide variant.
Coding change: c.287C>T on transcript NM_000719.7 (MANE Select); coding-DNA position 287, C replaced by T.
Protein change: p.Thr96Met; replaces threonine 96 with methionine.
Molecular consequence: missense variant.
Genome position (GRCh38, 1-based): chr12:2,115,461, C>T. VCF-style: chr12-2115461-C-T. GRCh37 (hg19) VCF-style: chr12-2224627-C-T.
Other names: c.287C>T, p.Thr96Met (NM_001129827.2, NM_001129829.2, NM_001129830.3 and 19 more transcripts); short protein forms T96M.
Identifiers: ClinVar variation 843660 (VCV000843660.11), dbSNP rs1177984976, ClinGen allele CA383653326.